The following is an entry in ClinVar:

ClinVar aggregate classification (germline): Pathogenic (1 of 4 stars; one submission).

Conditions:
Cardiovascular phenotype. Identifiers: MedGen CN230736.
Hereditary cancer-predisposing syndrome. Also called: Tumor predisposition; Neoplastic Syndromes, Hereditary; Hereditary Cancer Syndrome; Hereditary neoplastic syndrome. Identifiers: Orphanet 140162, MedGen C0027672, MeSH D009386, MONDO:0015356.

Submission:

Ambry Genetics
Classification: Pathogenic for Cardiovascular phenotype; Hereditary cancer-predisposing syndrome. Last evaluated: 2025-03-05. Review status: criteria provided, single submitter. Criteria: Ambry Variant Classification Scheme 2023. Collection method: clinical testing. Allele origin: germline.
Comment: The c.6014dupT pathogenic mutation, located in coding exon 40 of the NF1 gene, results from a duplication of T at nucleotide position 6014, causing a translational frameshift with a predicted alternate stop codon (p.A2007Sfs*2). This variant is considered to be rare based on population cohorts in the Genome Aggregation Database (gnomAD). This alteration is expected to result in loss of function by premature protein truncation or nonsense-mediated mRNA decay. As such, this alteration is interpreted as a disease-causing mutation.

NM_001042492.3(NF1):c.6077dup (p.Ala2028fs)

Gene: NF1 (neurofibromin 1; plus strand). Cytogenetic location: 17q11.2.
Variant type: Duplication.
Coding change: c.6077dup on transcript NM_001042492.3 (MANE Select); coding-DNA position 6077, one base duplicated (T; older notation c.6077dupT).
Protein change: p.Ala2028fs; shifts the reading frame from alanine 2028.
Molecular consequence: frameshift variant.
Genome position (GRCh38, 1-based): chr17:31,336,403, T duplicated. VCF-style (leftmost placement, unchanged base first): chr17-31336402-A-AT. GRCh37 (hg19) VCF-style: chr17-29663420-A-AT.
Other names: c.6014dup, p.Ala2007Serfs (NM_000267.4); c.6014dupT (NM_000267.3); short protein forms A2028fs, A2007fs.
Identifiers: ClinVar variation 3879126 (VCV003879126.1).